The following is an entry in ClinVar:

NM_024675.4(PALB2):c.2242A>G (p.Thr748Ala)

Gene: PALB2 (partner and localizer of BRCA2; minus strand). Cytogenetic location: 16p12.2.
Variant type: single nucleotide variant.
Coding change: c.2242A>G on transcript NM_024675.4 (MANE Select); coding-DNA position 2242, A replaced by G.
Protein change: p.Thr748Ala; replaces threonine 748 with alanine.
Molecular consequence: missense variant.
Genome position (GRCh38, 1-based): chr16:23,629,912, T>C on the plus strand (A>G on the coding strand, the complement: PALB2 is on the minus strand). VCF-style: chr16-23629912-T-C. GRCh37 (hg19) VCF-style: chr16-23641233-T-C.
Other names: short protein forms T748A.
Identifiers: ClinVar variation 830162 (VCV000830162.5), dbSNP rs1279823900, ClinGen allele CA395125498.
Genomic context (GRCh38, chr16:23,629,912, plus strand): 5'-AGACTGAGTCTTTCAAATGAGCAAGTTGGGGTGTGCAGCAAGTTCGTCCAGCAACTTCTG[T>C]AGATGCTTTTTCATAGGAGCCTTGAGGGCCAAAGGCTGGAGTAGTACCTAAGATGGGGAA-3'
Protein context (NP_078951.2, residues 738-758): GPQGSYEKAS[Thr748Ala]EVAGRTCCTP

ClinVar aggregate classification (germline): Conflicting classifications of pathogenicity. Review status: criteria provided, conflicting classifications (1 of 4 stars). 3 submissions from 3 submitters: Uncertain significance (1); Likely benign (1). 1 of the submissions does not count toward it. Last evaluated 2024-04-13.

Conditions:
Familial cancer of breast. Also called: BREAST CANCER, FAMILIAL; Hereditary breast cancer; hereditary breast carcinoma. Identifiers: Orphanet 227535, MedGen C0346153, MONDO:0016419, OMIM 114480. Disease mechanism: loss of function.
Hereditary cancer-predisposing syndrome. Also called: Hereditary neoplastic syndrome; Neoplastic Syndromes, Hereditary; Tumor predisposition; Hereditary Cancer Syndrome. Identifiers: Orphanet 140162, MedGen C0027672, MeSH D009386, MONDO:0015356.

Allele frequency attached by ClinVar (database versions not stated): TOPMed below 0.00001; gnomAD 0.00001.
gnomAD v4.1: 1 of 1,614,044 alleles (0.000062%); highest among the groups gnomAD compares: East Asian, 0.0022%; no homozygotes.

Submissions (3):

Labcorp Genetics (formerly Invitae), Labcorp
Classification: Uncertain significance for Familial cancer of breast. Last evaluated: 2024-04-13. Review status: criteria provided, single submitter. Criteria: Invitae Variant Classification Sherloc (09022015). Collection method: clinical testing. Allele origin: germline.
Comment: This sequence change replaces threonine, which is neutral and polar, with alanine, which is neutral and non-polar, at codon 748 of the PALB2 protein (p.Thr748Ala). This variant is not present in population databases (gnomAD no frequency). This missense change has been observed in individual(s) with breast cancer (PMID: 28825143). ClinVar contains an entry for this variant (Variation ID: 830162). Advanced modeling of protein sequence and biophysical properties (such as structural, functional, and spatial information, amino acid conservation, physicochemical variation, residue mobility, and thermodynamic stability) performed at Invitae indicates that this missense variant is not expected to disrupt PALB2 protein function with a negative predictive value of 80%. In summary, the available evidence is currently insufficient to determine the role of this variant in disease. Therefore, it has been classified as a Variant of Uncertain Significance.

Ambry Genetics
Classification: Likely benign for Hereditary cancer-predisposing syndrome. Last evaluated: 2021-01-08. Review status: criteria provided, single submitter. Criteria: Ambry Variant Classification Scheme 2023. Collection method: clinical testing. Allele origin: germline.

Leiden Open Variation Database
Classification: Uncertain significance. Last evaluated: 2018-10-10. Review status: no assertion criteria provided. Collection method: curation. Allele origin: germline. Affected: yes. Not counted in ClinVar's aggregate classification.
Comment: Curators: Marc Tischkowitz, Arleen D. Auerbach. Submitter to LOVD: Yukihide Momozawa.

Literature cited by the submitters: PubMed 28825143 (cited by Labcorp Genetics (formerly Invitae), Labcorp and Ambry Genetics); PubMed 30287823 (cited by Ambry Genetics and Leiden Open Variation Database).